The following is an entry in ClinVar:

NM_001384609.1(SLITRK5):c.109T>A (p.Cys37Ser)

Gene: SLITRK5 (SLIT and NTRK like family member 5; plus strand). Cytogenetic location: 13q31.2.
Variant type: single nucleotide variant.
Coding change: c.109T>A on transcript NM_001384609.1 (MANE Select); coding-DNA position 109, T replaced by A.
Protein change: p.Cys37Ser; replaces cysteine 37 with serine.
Molecular consequence: missense variant.
Genome position (GRCh38, 1-based): chr13:87,675,497, T>A. VCF-style: chr13-87675497-T-A. GRCh37 (hg19) VCF-style: chr13-88327752-T-A.
Other names: c.109T>A, p.Cys37Ser (NM_001384610.1, NM_015567.2); short protein forms C37S.
Identifiers: ClinVar variation 4990280 (VCV004990280.1).

ClinVar aggregate classification (germline): Uncertain significance (1 of 4 stars; one submission).

Conditions:
SLITRK5-related disorder. Also called: SLITRK5-related condition.

Submission:

PreventionGenetics, part of Exact Sciences
Classification: Uncertain significance for SLITRK5-related condition. Last evaluated: 2026-09-25. Review status: criteria provided, single submitter. Criteria: ACMG Guidelines, 2015. Collection method: clinical testing. Allele origin: germline.
Comment: The SLITRK5 c.109T>A variant is predicted to result in the amino acid substitution p.Cys37Ser. To our knowledge, this variant has not been reported in the literature or in a large population database (gnomAD), indicating this variant is rare. At this time, the clinical significance of this variant is uncertain due to the absence of conclusive functional and genetic evidence.